The following is an entry in ClinVar:

NM_024996.7(GFM1):c.521A>G (p.Asn174Ser)

Gene: GFM1 (G elongation factor mitochondrial 1; plus strand). Cytogenetic location: 3q25.32.
Variant type: single nucleotide variant.
Coding change: c.521A>G on transcript NM_024996.7 (MANE Select); coding-DNA position 521, A replaced by G.
Protein change: p.Asn174Ser; replaces asparagine 174 with serine.
Molecular consequence: missense variant. On other transcripts: non-coding transcript variant (3), intron variant (4).
Genome position (GRCh38, 1-based): chr3:158,646,896, A>G. VCF-style: chr3-158646896-A-G. GRCh37 (hg19) VCF-style: chr3-158364685-A-G.
Other names: c.521A>G, p.Asn174Ser (NM_001308164.2, NM_001308166.2, NM_001374355.1 and 1 more transcripts); c.296A>G, p.Asn99Ser (NM_001374357.1); c.5+1115A>G (NM_001374359.1, NM_001374360.1, NM_001374361.1); c.234+1115A>G (NM_001374358.1); short protein forms N174S, N99S.
Identifiers: ClinVar variation 4160 (VCV000004160.14), dbSNP rs119470018, ClinGen allele CA210484.

ClinVar aggregate classification (germline): Pathogenic/Likely pathogenic. Review status: criteria provided, multiple submitters, no conflicts (2 of 4 stars). 7 submissions from 7 submitters: Pathogenic (1); Likely pathogenic (5). 1 of the submissions does not count toward it. Last evaluated 2025-07-07.

Conditions:
Hepatoencephalopathy due to combined oxidative phosphorylation defect type 1. Also called: HEPATOENCEPHALOPATHY, EARLY FATAL PROGRESSIVE. Identifiers: Orphanet 137681, MedGen C1836797, MONDO:0012191, OMIM 609060.

Allele frequency attached by ClinVar (database versions not stated): TOPMed 0.00001; gnomAD exomes 0.00002; ExAC 0.00002.

Submissions (7):

Natera, Inc.
Classification: Likely pathogenic for Combined oxidative phosphorylation deficiency 1. Last evaluated: 2025-07-07. Review status: criteria provided, single submitter. Criteria: Natera Variant Classification Schema (03/2026). Collection method: clinical testing. Allele origin: germline.
Comment: The c.521A>G variant in GFM1 is a missense variant predicted to cause substitution of asparagine to serine at amino acid 174. This variant is rare in the general population with a frequency below the threshold expected for the associated phenotype(s). This variant has been observed in one or more individuals affected with the associated recessive disease, as either homozygous or compound heterozygous with a second variant (PMID: 15537906). This variant has been observed to segregate in affected family members (PMID: 15537906). Functional studies show that this variant may disrupt protein function (PMID: 15537906). Computational prediction algorithms indicate this variant is likely to affect gene or protein function. Given the available evidence, this variant is classified as Likely Pathogenic.

Baylor Genetics
Classification: Likely pathogenic for Hepatoencephalopathy due to combined oxidative phosphorylation defect type 1. Last evaluated: 2024-03-27. Review status: criteria provided, single submitter. Criteria: ACMG Guidelines, 2015. Collection method: clinical testing. Allele origin: unknown.

Women's Health and Genetics/Laboratory Corporation of America, LabCorp
Classification: Likely pathogenic for Hepatoencephalopathy due to combined oxidative phosphorylation defect type 1. Last evaluated: 2023-09-15. Review status: criteria provided, single submitter. Criteria: LabCorp Variant Classification Summary - May 2015. Collection method: clinical testing. Allele origin: germline.
Comment: Variant summary: GFM1 c.521A>G (p.Asn174Ser) results in a conservative amino acid change in the encoded protein sequence. Four of five in-silico tools predict a damaging effect of the variant on protein function. The variant allele was found at a frequency of 1.6e-05 in 251486 control chromosomes (gnomAD). c.521A>G has been reported in the literature in two homozygous siblings affected with Combined Oxidative Phosphorylation Deficiency 1 (Coenen_2004). These data indicate that the variant is likely to be associated with disease. At least one publication reports experimental evidence evaluating an impact on protein function, showing that the human N174S protein can rescue development in mutant flies (Trivingno_2011). However, this experiment does not allow convincing conclusions about the variant effect on GFM1 function. The following publications have been ascertained in the context of this evaluation (PMID: 15537906, 21364917). Three submitters have cited clinical-significance assessments for this variant to ClinVar after 2014. All submitters classified the variant as likely pathogenic. Based on the evidence outlined above, the variant was classified as likely pathogenic.

Labcorp Genetics (formerly Invitae), Labcorp
Classification: Likely pathogenic. Last evaluated: 2023-04-16. Review status: criteria provided, single submitter. Criteria: Invitae Variant Classification Sherloc (09022015). Collection method: clinical testing. Allele origin: germline.
Comment: In summary, the currently available evidence indicates that the variant is pathogenic, but additional data are needed to prove that conclusively. Therefore, this variant has been classified as Likely Pathogenic. Experimental studies are conflicting or provide insufficient evidence to determine the effect of this variant on GFM1 function (PMID: 21364917). Advanced modeling of protein sequence and biophysical properties (such as structural, functional, and spatial information, amino acid conservation, physicochemical variation, residue mobility, and thermodynamic stability) performed at Invitae indicates that this missense variant is expected to disrupt GFM1 protein function. ClinVar contains an entry for this variant (Variation ID: 4160). This missense change has been observed in individual(s) with combined oxidative phosphorylation deficiency (PMID: 15537906). It has also been observed to segregate with disease in related individuals. This variant is present in population databases (rs119470018, gnomAD 0.004%). This sequence change replaces asparagine, which is neutral and polar, with serine, which is neutral and polar, at codon 174 of the GFM1 protein (p.Asn174Ser).

GeneDx
Classification: Likely pathogenic. Last evaluated: 2019-05-29. Review status: criteria provided, single submitter. Criteria: GeneDx Variant Classification Process June 2021. Collection method: clinical testing. Allele origin: germline. Affected: yes.
Comment: Not observed at a significant frequency in large population cohorts (Lek et al., 2016); This variant is associated with the following publications: (PMID: 15537906, 26937387, 21364917, 21986555)

Kariminejad - Najmabadi Pathology & Genetics Center
Classification: Pathogenic for Hepatoencephalopathy due to combined oxidative phosphorylation defect type 1. Review status: criteria provided, single submitter. Criteria: ACMG Guidelines, 2015. Collection method: clinical testing. Allele origin: germline. Affected: no.

OMIM
Classification: Pathogenic for COMBINED OXIDATIVE PHOSPHORYLATION DEFICIENCY 1. Last evaluated: 2004-11-11. Review status: no assertion criteria provided. Collection method: literature only. Allele origin: germline. Not counted in ClinVar's aggregate classification.

Literature cited by the submitters: PubMed 15537906 (cited by 4 submitters); PubMed 21364917 (cited by Women's Health and Genetics/Laboratory Corporation of America, LabCorp and Labcorp Genetics (formerly Invitae), Labcorp).